The following is an entry in ClinVar:

ClinVar aggregate classification (germline): Likely pathogenic (1 of 4 stars; one submission).

Conditions:
Duchenne muscular dystrophy (DMD). Also called: MUSCULAR DYSTROPHY, PSEUDOHYPERTROPHIC PROGRESSIVE, DUCHENNE TYPE; Duchenne Muscular Dystrophy (DMD). Identifiers: Orphanet 98896, MedGen C0013264, MONDO:0010679, OMIM 310200.

Submissions (2):

Labcorp Genetics (formerly Invitae), Labcorp
Classification: Likely pathogenic for Duchenne muscular dystrophy. Last evaluated: 2023-08-16. Review status: criteria provided, single submitter. Criteria: Invitae Variant Classification Sherloc (09022015). Collection method: clinical testing. Allele origin: germline.
Comment: In summary, the currently available evidence indicates that the variant is pathogenic, but additional data are needed to prove that conclusively. Therefore, this variant has been classified as Likely Pathogenic. This variant has not been reported in the literature in individuals affected with DMD-related conditions. This variant is not present in population databases (gnomAD no frequency). This sequence change affects a donor splice site in intron 60 of the DMD gene. It is expected to disrupt RNA splicing. Variants that disrupt the donor or acceptor splice site typically lead to a loss of protein function (PMID: 16199547), and loss-of-function variants in DMD are known to be pathogenic (PMID: 16770791, 25007885).

Dr. Peter K. Rogan Lab, Western University
No classification provided (evidence only). Condition: Thyroid cancer, nonmedullary, 1. Review status: no classification provided. Collection method: in vitro. Allele origin: not applicable. Functional consequence: retained intron. Not counted in ClinVar's aggregate classification.

Literature cited by the submitters: PubMed 16199547 (cited by Labcorp Genetics (formerly Invitae), Labcorp); PubMed 16770791 (cited by Labcorp Genetics (formerly Invitae), Labcorp); PubMed 25007885 (cited by Labcorp Genetics (formerly Invitae), Labcorp).

NM_004006.3(DMD):c.9084+2T>C

Gene: DMD (dystrophin; minus strand). Cytogenetic location: Xp21.2.
Variant type: single nucleotide variant.
Coding change: c.9084+2T>C on transcript NM_004006.3 (MANE Select); the canonical splice donor site of the intron after coding-DNA position 9084, T replaced by C.
Molecular consequence: splice donor variant.
Genome position (GRCh38, 1-based): chrX:31,444,479, A>G on the plus strand (T>C on the coding strand, the complement: DMD is on the minus strand). VCF-style: chrX-31444479-A-G. GRCh37 (hg19) VCF-style: chrX-31462596-A-G.
Other names: c.9060+2T>C (NM_000109.4); c.5061+2T>C (NM_004011.4); c.5052+2T>C (NM_004012.4); c.1704+2T>C (NM_004023.3, NM_004020.4, NM_004022.3 and 2 more transcripts); c.897+2T>C (NM_004014.3); c.9072+2T>C (NM_004009.3); c.8715+2T>C (NM_004010.3).
Identifiers: ClinVar variation 2752837 (VCV002752837.4), dbSNP rs2524515927, ClinGen allele CA412655023.